The following is an entry in ClinVar:

NM_000041.4(APOE):c.404A>G (p.Gln135Arg)

Gene: APOE (apolipoprotein E; plus strand). Cytogenetic location: 19q13.32.
Variant type: single nucleotide variant.
Coding change: c.404A>G on transcript NM_000041.4 (MANE Select); coding-DNA position 404, A replaced by G.
Protein change: p.Gln135Arg; replaces glutamine 135 with arginine.
Molecular consequence: missense variant.
Genome position (GRCh38, 1-based): chr19:44,908,700, A>G. VCF-style: chr19-44908700-A-G. GRCh37 (hg19) VCF-style: chr19-45411957-A-G.
Other names: c.482A>G, p.Gln161Arg (NM_001302688.2); c.404A>G, p.Gln135Arg (NM_001302689.2, NM_001302690.2, NM_001302691.2); short protein forms Q135R, Q161R.
Identifiers: ClinVar variation 3417858 (VCV003417858.1).

ClinVar aggregate classification (germline): Uncertain significance (1 of 4 stars; one submission).

Conditions:
Cardiovascular phenotype. Identifiers: MedGen CN230736.

gnomAD v4.1: 3 of 1,562,050 alleles (0.00019%); highest among the groups gnomAD compares: Non-Finnish European, 0.00026%; no homozygotes.

Submission:

Ambry Genetics
Classification: Uncertain significance for Cardiovascular phenotype. Last evaluated: 2024-11-30. Review status: criteria provided, single submitter. Criteria: Ambry Variant Classification Scheme 2023. Collection method: clinical testing. Allele origin: germline.
Comment: The p.Q135R variant (also known as c.404A>G), located in coding exon 3 of the APOE gene, results from an A to G substitution at nucleotide position 404. The glutamine at codon 135 is replaced by arginine, an amino acid with highly similar properties. This amino acid position is conserved. In addition, this alteration is predicted to be tolerated by in silico analysis. Based on the available evidence, the clinical significance of this variant remains unclear.